The following is an entry in ClinVar:

NM_017636.4(TRPM4):c.1459_1494del (p.Lys487_Leu498del)

Gene: TRPM4 (transient receptor potential cation channel subfamily M member 4; plus strand). Cytogenetic location: 19q13.33.
Variant type: Deletion.
Coding change: c.1459_1494del on transcript NM_017636.4 (MANE Select); coding-DNA positions 1459 to 1494, 36 bases deleted.
Protein change: p.Lys487_Leu498del.
Molecular consequence: inframe deletion. On other transcripts: 5 prime UTR variant (1).
Genome position (GRCh38, 1-based): chr19:49,182,773-49,182,808, 36 bases deleted; deleting any 36 consecutive bases within chr19:49,182,772-49,182,808 gives the same sequence; the c. name uses the placement nearest the transcript's 3' end. GRCh37 (hg19): chr19:49,686,030-49,686,065.
Other names: c.1459_1494delAAAGCCCCAGCCCTAAAAGGGGGAGCTGCGGAGCTC (NM_017636.3); c.1459_1494del36 (NM_017636.3); c.1459_1494del, p.Lys487_Leu498del (NM_001195227.2); c.1114_1149del, p.Lys372_Leu383del (NM_001321281.2); c.-95_-60del (NM_001321282.2); c.937_972del, p.Lys313_Leu324del (NM_001321283.2); c.397_432del, p.Lys133_Leu144del (NM_001321285.2).
Identifiers: ClinVar variation 241175 (VCV000241175.34), dbSNP rs878855029, ClinGen allele CA9569198.

ClinVar aggregate classification (germline): Conflicting classifications of pathogenicity. Review status: criteria provided, conflicting classifications (1 of 4 stars). 10 submissions from 10 submitters: Uncertain significance (1); Benign (4); Likely benign (4). 1 of the submissions does not count toward it. Last evaluated 2026-02-04.

Conditions:
TRPM4-related disorder. Also called: TRPM4-related condition; TRPM4-related disorders. Identifiers: MedGen CN239424.
Cardiovascular phenotype. Identifiers: MedGen CN230736.
Brugada syndrome. Also called: Sudden unexplained nocturnal death syndrome; Sudden Unexplained Death Syndrome; Sudden Unexplained Nocturnal Death Syndrome (SUNDS); Sudden unexpected nocturnal death syndrome. Identifiers: Orphanet 130, MedGen C1142166, MONDO:0015263.
Cardiomyopathy (CMYO). Also called: Cardiomyopathies. Identifiers: Orphanet 167848, MedGen C0878544, MONDO:0004994, HP:0001638. Inheritance: Various modes of inheritance.
Progressive familial heart block type IB (PFHB1B). Identifiers: Orphanet 871, MedGen C1970298, MONDO:0011474, OMIM 604559.

Submissions (10):

Labcorp Genetics (formerly Invitae), Labcorp
Classification: Benign for Progressive familial heart block type IB. Last evaluated: 2026-02-04. Review status: criteria provided, single submitter. Criteria: Invitae Variant Classification Sherloc (09022015). Collection method: clinical testing. Allele origin: germline.

Molecular Diagnostic Laboratory for Inherited Cardiovascular Disease, Montreal Heart Institute
Classification: Likely benign. Last evaluated: 2025-07-24. Review status: criteria provided, single submitter. Criteria: ACMG Guidelines, 2015. Collection method: clinical testing. Allele origin: germline. Affected: no.

Blueprint Genetics
Classification: Likely benign. Last evaluated: 2024-11-25. Review status: criteria provided, single submitter. Criteria: ACMG Guidelines, 2015. Collection method: clinical testing. Allele origin: germline.

ARUP Laboratories, Molecular Genetics and Genomics, ARUP Laboratories
Classification: Benign. Last evaluated: 2023-10-03. Review status: criteria provided, single submitter. Criteria: ARUP Molecular Germline Variant Investigation Process 2024. Collection method: clinical testing. Allele origin: germline.

Women's Health and Genetics/Laboratory Corporation of America, LabCorp
Classification: Benign. Last evaluated: 2023-08-21. Review status: criteria provided, single submitter. Criteria: LabCorp Variant Classification Summary - May 2015. Collection method: clinical testing. Allele origin: germline.
Comment: Variant summary: TRPM4 c.1459_1494del36 (p.Lys487_Leu498del) results in an in-frame deletion that is predicted to remove twelve amino acids from the encoded protein. The variant allele was found at a frequency of 0.0078 in 247918 control chromosomes, predominantly at a frequency of 0.011 within the Non-Finnish European subpopulation in the gnomAD database, including 3 homozygotes. The observed variant frequency within Non-Finnish European control individuals in the gnomAD database is approximately 4399.99 fold of the estimated maximal expected allele frequency for a pathogenic variant in TRPM4 causing Progressive Familial Heart Block Type 1B phenotype (2.5e-06), strongly suggesting that the variant is a benign polymorphism found primarily in populations of Non-Finnish European origin. c.1459_1494del36 has been reported in the literature as a polymorphism, and in a patient with a pathogenic variant explaining their phenotype (Syam_2016, Neubauer_2021). To our knowledge, no experimental evidence demonstrating an impact on protein function has been reported. The following publications have been ascertained in the context of this evaluation (PMID: 27207958, 33895855). Six submitters have cited clinical-significance assessments for this variant to ClinVar after 2014: five classified the variant as likely benign while one classified as VUS. Based on the evidence outlined above, the variant was classified as benign.

GeneDx
Classification: Likely benign. Last evaluated: 2019-12-27. Review status: criteria provided, single submitter. Criteria: GeneDx Variant Classification Process June 2021. Collection method: clinical testing. Allele origin: germline. Affected: yes.

Center for Advanced Laboratory Medicine, UC San Diego Health, University of California San Diego
Classification: Likely benign for Cardiomyopathy. Last evaluated: 2017-09-08. Review status: criteria provided, single submitter. Criteria: ACMG Guidelines, 2015. Collection method: clinical testing. Allele origin: germline. Affected: yes. Observed: 1 variant allele.

MVZ Martinsried, Medicover Genetics
Classification: Uncertain significance for Brugada syndrome. Last evaluated: 2016-11-16. Review status: criteria provided, single submitter. Criteria: ACMG Guidelines, 2015. Collection method: clinical testing. Allele origin: unknown. Affected: yes.

Ambry Genetics
Classification: Benign for Cardiovascular phenotype. Last evaluated: 2016-06-08. Review status: criteria provided, single submitter. Criteria: Ambry Variant Classification Scheme 2023. Collection method: clinical testing. Allele origin: germline.

PreventionGenetics, part of Exact Sciences
Classification: Benign for TRPM4-related condition. Last evaluated: 2020-02-17. Review status: no assertion criteria provided. Collection method: clinical testing. Allele origin: germline. Not counted in ClinVar's aggregate classification.
Comment: This variant is classified as benign based on ACMG/AMP sequence variant interpretation guidelines (Richards et al. 2015 PMID: 25741868, with internal and published modifications).

Literature cited by the submitters: PubMed 33895855 (cited by Women's Health and Genetics/Laboratory Corporation of America, LabCorp); PubMed 27207958 (cited by Women's Health and Genetics/Laboratory Corporation of America, LabCorp); PubMed 21887725 (cited by Ambry Genetics); PubMed 23382873 (cited by Ambry Genetics).